The following is an entry in ClinVar:

NM_002941.4(ROBO1):c.4821G>A (p.Met1607Ile)

Gene: ROBO1 (roundabout guidance receptor 1; minus strand). Cytogenetic location: 3p12.3.
Variant type: single nucleotide variant.
Coding change: c.4821G>A on transcript NM_002941.4 (MANE Select); coding-DNA position 4821, G replaced by A.
Protein change: p.Met1607Ile; replaces methionine 1607 with isoleucine.
Molecular consequence: missense variant.
Genome position (GRCh38, 1-based): chr3:78,600,233, C>T on the plus strand (G>A on the coding strand, the complement: ROBO1 is on the minus strand). VCF-style: chr3-78600233-C-T. GRCh37 (hg19) VCF-style: chr3-78649383-C-T.
Other names: c.4521G>A, p.Met1507Ile (NM_001145845.2); c.4686G>A, p.Met1562Ile (NM_133631.4); short protein forms M1507I, M1562I, M1607I.
Identifiers: ClinVar variation 4822133 (VCV004822133.5).

ClinVar aggregate classification (germline): Uncertain significance. Review status: criteria provided, multiple submitters, no conflicts (2 of 4 stars). 2 submissions from 2 submitters: Uncertain significance (2). Last evaluated 2026-04-30.

Submissions (2):

Women's Health and Genetics/Laboratory Corporation of America, LabCorp
Classification: Uncertain significance. Last evaluated: 2026-04-30. Review status: criteria provided, single submitter. Criteria: LabCorp Variant Classification Summary - May 2015. Collection method: clinical testing. Allele origin: germline.
Comment: Variant summary: ROBO1 c.4821G>A (p.Met1607Ile) results in a conservative amino acid change in the encoded protein sequence. Algorithms developed to predict the effect of missense changes on protein structure and function are either unavailable or do not agree on the potential impact of this missense change. The variant allele was found at a frequency of 2e-05 in 248950 control chromosomes. The available data on variant occurrences in the general population are insufficient to allow any conclusion about variant significance. c.4821G>A has been observed in two individuals affected with Combined pituitary hormone deficiency and pituitary stalk interruption syndrome, and Thoracic aortic aneurysm (Gillis_2017 and Martinez-Maye_2024). These report(s) do not provide unequivocal conclusions about association of the variant with ROBO1-Related Disorders. To our knowledge, no experimental evidence demonstrating an impact on protein function has been reported. The following publications have been ascertained in the context of this evaluation (PMID: 28659821, 38717911). ClinVar contains an entry for this variant (Variation ID: 4822133). Based on the evidence outlined above, the variant was classified as uncertain significance.

CeGaT Center for Human Genetics Tuebingen
Classification: Uncertain significance. Last evaluated: 2026-02-01. Review status: criteria provided, single submitter. Criteria: CeGaT Center For Human Genetics Tuebingen Variant Classification Criteria Version 2. Collection method: clinical testing. Allele origin: germline. Affected: yes. Observed: 1 variant allele.
Comment: ROBO1: PM2

Literature cited by the submitters: PubMed 28659821 (cited by Women's Health and Genetics/Laboratory Corporation of America, LabCorp); PubMed 38717911 (cited by Women's Health and Genetics/Laboratory Corporation of America, LabCorp).